The following is an entry in ClinVar:

ClinVar aggregate classification (germline): Uncertain significance. Review status: criteria provided, multiple submitters, no conflicts (2 of 4 stars). 2 submissions from 2 submitters: Uncertain significance (2). Last evaluated 2024-01-18.

Conditions:
Inborn genetic diseases. Identifiers: MedGen C0950123, MeSH D030342.

Allele frequency attached by ClinVar (database versions not stated): gnomAD exomes below 0.00001; ExAC 0.00001.
gnomAD v4.1: 2 of 1,613,952 alleles (0.00012%); highest among the groups gnomAD compares: Non-Finnish European, 0.00017%; no homozygotes.

Submissions (2):

Blueprint Genetics
Classification: Uncertain significance. Last evaluated: 2024-01-18. Review status: criteria provided, single submitter. Criteria: ACMG Guidelines, 2015. Collection method: clinical testing. Allele origin: germline.

Ambry Genetics
Classification: Uncertain significance for Inborn genetic diseases. Last evaluated: 2020-10-22. Review status: criteria provided, single submitter. Criteria: Ambry Variant Classification Scheme 2023. Collection method: clinical testing. Allele origin: germline.
Comment: The p.H595R variant (also known as c.1784A>G), located in coding exon 16 of the SBF2 gene, results from an A to G substitution at nucleotide position 1784. The histidine at codon 595 is replaced by arginine, an amino acid with highly similar properties. This amino acid position is highly conserved in available vertebrate species. In addition, this alteration is predicted to be deleterious by in silico analysis. Since supporting evidence is limited at this time, the clinical significance of this alteration remains unclear.

NM_030962.4(SBF2):c.1784A>G (p.His595Arg)

Gene: SBF2 (SET binding factor 2; minus strand). Cytogenetic location: 11p15.4.
Variant type: single nucleotide variant.
Coding change: c.1784A>G on transcript NM_030962.4 (MANE Select); coding-DNA position 1784, A replaced by G.
Protein change: p.His595Arg; replaces histidine 595 with arginine.
Molecular consequence: missense variant.
Genome position (GRCh38, 1-based): chr11:9,962,033, T>C on the plus strand (A>G on the coding strand, the complement: SBF2 is on the minus strand). VCF-style: chr11-9962033-T-C. GRCh37 (hg19) VCF-style: chr11-9983580-T-C.
Other names: c.1784A>G, p.His595Arg (NM_001386339.1); c.1655A>G, p.His552Arg (NM_001386342.1); short protein forms H595R, H552R.
Identifiers: ClinVar variation 1780057 (VCV001780057.3), dbSNP rs752899044, ClinGen allele CA5881747.